The following is an entry in ClinVar:

ClinVar aggregate classification (germline): Uncertain significance. Review status: criteria provided, multiple submitters, no conflicts (2 of 4 stars). 3 submissions from 3 submitters: Uncertain significance (3). Last evaluated 2024-02-26.

Conditions:
Congenital disorder of glycosylation type Ir (CDG1R). Also called: DDOST-congenital disorder of glycosylation. Identifiers: Orphanet 300536, MedGen C3281084, MONDO:0013789, OMIM 614507.

Allele frequency attached by ClinVar (database versions not stated): gnomAD 0.00005 and 0.00006; ExAC 0.00007; gnomAD exomes 0.00007; TOPMed 0.00007.
gnomAD v4.1: 56 of 1,612,334 alleles (0.0035%); highest among the groups gnomAD compares: Admixed American, 0.018%; no homozygotes.

Submissions (3):

Labcorp Genetics (formerly Invitae), Labcorp
Classification: Uncertain significance for Congenital disorder of glycosylation type Ir. Last evaluated: 2024-02-26. Review status: criteria provided, single submitter. Criteria: Invitae Variant Classification Sherloc (09022015). Collection method: clinical testing. Allele origin: germline.
Comment: This sequence change replaces asparagine, which is neutral and polar, with serine, which is neutral and polar, at codon 96 of the DDOST protein (p.Asn96Ser). This variant is present in population databases (rs773982629, gnomAD 0.01%). This variant has not been reported in the literature in individuals affected with DDOST-related conditions. ClinVar contains an entry for this variant (Variation ID: 1418877). An algorithm developed to predict the effect of missense changes on protein structure and function (PolyPhen-2) suggests that this variant is likely to be disruptive. In summary, the available evidence is currently insufficient to determine the role of this variant in disease. Therefore, it has been classified as a Variant of Uncertain Significance.

AiLife Diagnostics
Classification: Uncertain significance. Last evaluated: 2021-07-11. Review status: criteria provided, single submitter. Criteria: ACMG Guidelines, 2015. Collection method: clinical testing. Allele origin: germline. Affected: yes. Observed: 1 variant allele.

Breakthrough Genomics
Classification: Uncertain significance. Review status: criteria provided, single submitter. Criteria: ACMG Guidelines, 2015. Collection method: not provided. Allele origin: germline. Inheritance: Autosomal recessive inheritance. Affected: yes.

NM_005216.5(DDOST):c.236A>G (p.Asn79Ser)

Gene: DDOST (dolichyl-diphosphooligosaccharide--protein glycosyltransferase non-catalytic subunit; minus strand). Cytogenetic location: 1p36.12.
Variant type: single nucleotide variant.
Coding change: c.236A>G on transcript NM_005216.5 (MANE Select); coding-DNA position 236, A replaced by G.
Protein change: p.Asn79Ser; replaces asparagine 79 with serine.
Molecular consequence: missense variant.
Genome position (GRCh38, 1-based): chr1:20,660,910, T>C on the plus strand (A>G on the coding strand, the complement: DDOST is on the minus strand). VCF-style: chr1-20660910-T-C. GRCh37 (hg19) VCF-style: chr1-20987403-T-C.
Other names: short protein forms N79S.
Identifiers: ClinVar variation 1418877 (VCV001418877.10), dbSNP rs773982629, ClinGen allele CA661321.